The following is an entry in ClinVar:

ClinVar aggregate classification (germline): Uncertain significance (1 of 4 stars; one submission).

Allele frequency attached by ClinVar (database versions not stated): gnomAD 0.00002; TOPMed 0.00002; gnomAD exomes 0.00001.
gnomAD v4.1: 24 of 1,613,808 alleles (0.0015%); highest among the groups gnomAD compares: Non-Finnish European, 0.002%; no homozygotes.

Submission:

Labcorp Genetics (formerly Invitae), Labcorp
Classification: Uncertain significance. Last evaluated: 2025-10-20. Review status: criteria provided, single submitter. Criteria: Invitae Variant Classification Sherloc (09022015). Collection method: clinical testing. Allele origin: germline.
Comment: This sequence change replaces glycine, which is neutral and non-polar, with arginine, which is basic and polar, at codon 77 of the POLD2 protein (p.Gly77Arg). The frequency data for this variant in the population databases is considered unreliable, as metrics indicate poor data quality at this position in the gnomAD database. This variant has not been reported in the literature in individuals affected with POLD2-related conditions. ClinVar contains an entry for this variant (Variation ID: 2109895). Experimental studies and prediction algorithms are not available or were not evaluated, and the functional significance of this variant is currently unknown. In summary, the available evidence is currently insufficient to determine the role of this variant in disease. Therefore, it has been classified as a Variant of Uncertain Significance.

NM_006230.4(POLD2):c.124G>A (p.Gly42Arg)

Gene: POLD2 (DNA polymerase delta 2, accessory subunit; minus strand). Cytogenetic location: 7p13.
Variant type: single nucleotide variant.
Coding change: c.124G>A on transcript NM_006230.4 (MANE Select); coding-DNA position 124, G replaced by A.
Protein change: p.Gly42Arg; replaces glycine 42 with arginine.
Molecular consequence: missense variant.
Genome position (GRCh38, 1-based): chr7:44,121,930, C>T on the plus strand (G>A on the coding strand, the complement: POLD2 is on the minus strand). VCF-style: chr7-44121930-C-T. GRCh37 (hg19) VCF-style: chr7-44161529-C-T.
Other names: c.124G>A, p.Gly42Arg (NM_001127218.3, NM_001256879.2); short protein forms G42R.
Identifiers: ClinVar variation 2109895 (VCV002109895.4), dbSNP rs1386317987, ClinGen allele CA367387642.
Genomic context (GRCh38, chr7:44,121,930, plus strand): 5'-TCATTTGGATGAGGCGGGTGGCATAAATGTGGGCATACTGCCGGCTAAAGCTGCGCTCTC[C>T]TAGCCGGAAGGGTTGTGAGGAGTTGGTGTAGGTTGCCACTGGCACCCGGGCAAAGGTGGC-3'
Protein context (NP_006221.3, residues 32-52): YTNSSQPFRL[Gly42Arg]ERSFSRQYAH